The following is an entry in ClinVar:

NM_001282933.2(ZNF341):c.328G>A (p.Ala110Thr)

Gene: ZNF341 (zinc finger protein 341; plus strand). Cytogenetic location: 20q11.22.
Variant type: single nucleotide variant.
Coding change: c.328G>A on transcript NM_001282933.2 (MANE Select); coding-DNA position 328, G replaced by A.
Protein change: p.Ala110Thr; replaces alanine 110 with threonine.
Molecular consequence: missense variant. On other transcripts: non-coding transcript variant (1), intron variant (1).
Genome position (GRCh38, 1-based): chr20:33,745,288, G>A. VCF-style: chr20-33745288-G-A. GRCh37 (hg19) VCF-style: chr20-32333094-G-A.
Other names: c.328G>A, p.Ala110Thr (NM_032819.5); c.70-3635G>A (NM_001282935.2); c.328G>A (NM_032819.3); short protein forms A110T.
Identifiers: ClinVar variation 1972045 (VCV001972045.3), dbSNP rs373744673, ClinGen allele CA313327839.
Genomic context (GRCh38, chr20:33,745,288, plus strand): 5'-ACCAACAGCATCTACCCACCTTCGGCAGCACCCACAGCGGTCCAGCAGGCCCCAACTCCT[G>A]CCAATCGCCAGGTATTTGTTCATTTATTCATTCAACATGTCTTTTTTGAGGGCCTAACAT-3'
Protein context (NP_001269862.1, residues 100-120): PTAVQQAPTP[Ala110Thr]NRQISTYITV

ClinVar aggregate classification (germline): Uncertain significance. Review status: criteria provided, multiple submitters, no conflicts (2 of 4 stars). 2 submissions from 2 submitters: Uncertain significance (2). Last evaluated 2025-12-22.

Allele frequency attached by ClinVar (database versions not stated): gnomAD exomes below 0.00001; TOPMed below 0.00001.
gnomAD v4.1: 3 of 1,611,758 alleles (0.00019%); highest among the groups gnomAD compares: East Asian, 0.0022%; no homozygotes.

Submissions (2):

Ambry Genetics
Classification: Uncertain significance. Last evaluated: 2025-12-22. Review status: criteria provided, single submitter. Criteria: Ambry Variant Classification Scheme 2023. Collection method: clinical testing. Allele origin: germline.

Labcorp Genetics (formerly Invitae), Labcorp
Classification: Uncertain significance. Last evaluated: 2022-10-04. Review status: criteria provided, single submitter. Criteria: Invitae Variant Classification Sherloc (09022015). Collection method: clinical testing. Allele origin: germline.
Comment: This sequence change replaces alanine, which is neutral and non-polar, with threonine, which is neutral and polar, at codon 110 of the ZNF341 protein (p.Ala110Thr). This variant is not present in population databases (gnomAD no frequency). This variant has not been reported in the literature in individuals affected with ZNF341-related conditions. Algorithms developed to predict the effect of missense changes on protein structure and function output the following: SIFT: "Tolerated"; PolyPhen-2: "Benign"; Align-GVGD: "Class C0". The threonine amino acid residue is found in multiple mammalian species, which suggests that this missense change does not adversely affect protein function. In summary, the available evidence is currently insufficient to determine the role of this variant in disease. Therefore, it has been classified as a Variant of Uncertain Significance.